The following is an entry in ClinVar:

ClinVar aggregate classification (germline): Pathogenic (1 of 4 stars; one submission).

Conditions:
Distal myopathy with posterior leg and anterior hand involvement. Also called: WILLIAMS DISTAL MYOPATHY. Identifiers: Orphanet 63273, MedGen C3279722, MONDO:0013550, OMIM 614065.
Hypertrophic cardiomyopathy 26. Also called: Cardiomyopathy, familial hypertrophic, 26. Identifiers: Orphanet 75249, MedGen C4310749, MONDO:0014883, OMIM 617047.
Myofibrillar myopathy 5. Also called: Filaminopathy (type); FILAMINOPATHY, AUTOSOMAL DOMINANT. Identifiers: Orphanet 171445, MedGen C1836050, MONDO:0012289, OMIM 609524.

Submission:

Labcorp Genetics (formerly Invitae), Labcorp
Classification: Pathogenic for Distal myopathy with posterior leg and anterior hand involvement; Myofibrillar myopathy 5; Hypertrophic cardiomyopathy 26. Last evaluated: 2022-04-29. Review status: criteria provided, single submitter. Criteria: Invitae Variant Classification Sherloc (09022015). Collection method: clinical testing. Allele origin: germline.
Comment: For these reasons, this variant has been classified as Pathogenic. This variant has not been reported in the literature in individuals affected with FLNC-related conditions. This variant is not present in population databases (gnomAD no frequency). This sequence change creates a premature translational stop signal (p.Gln796Lysfs*4) in the FLNC gene. It is expected to result in an absent or disrupted protein product. Loss-of-function variants in FLNC are known to be pathogenic (PMID: 27908349).

Literature cited by the submitters: PubMed 27908349.

NM_001458.5(FLNC):c.2385del (p.Gln796fs)

Gene: FLNC (filamin C; plus strand). Cytogenetic location: 7q32.1.
Variant type: Deletion.
Coding change: c.2385del on transcript NM_001458.5 (MANE Select); coding-DNA position 2385, one base deleted (G; older notation c.2385delG).
Protein change: p.Gln796fs; shifts the reading frame from glutamine 796.
Molecular consequence: frameshift variant.
Genome position (GRCh38, 1-based): chr7:128,842,694, G deleted; the last of 4 consecutive G bases (chr7:128,842,691-128,842,694); deleting any one gives the same sequence. VCF-style (leftmost placement, unchanged base first): chr7-128842690-CG-C. GRCh37 (hg19) VCF-style: chr7-128482744-CG-C.
Other names: c.2385del, p.Gln796fs (NM_001127487.2); short protein forms Q796fs.
Identifiers: ClinVar variation 2131895 (VCV002131895.4), dbSNP rs2536631625, ClinGen allele CA2580076672.